The following is an entry in ClinVar:

ClinVar aggregate classification (germline): Uncertain significance (1 of 4 stars; one submission).

gnomAD v4.1: 1 of 1,612,958 alleles (0.000062%); highest among the groups gnomAD compares: African/African-American, 0.0013%; no homozygotes.

Submission:

Labcorp Genetics (formerly Invitae), Labcorp
Classification: Uncertain significance. Last evaluated: 2024-07-10. Review status: criteria provided, single submitter. Criteria: Invitae Variant Classification Sherloc (09022015). Collection method: clinical testing. Allele origin: germline.
Comment: This sequence change replaces arginine, which is basic and polar, with leucine, which is neutral and non-polar, at codon 32 of the RPL31 protein (p.Arg32Leu). This variant is present in population databases (no rsID available, gnomAD 0.007%). This variant has not been reported in the literature in individuals affected with RPL31-related conditions. An algorithm developed to predict the effect of missense changes on protein structure and function (PolyPhen-2) suggests that this variant is likely to be tolerated. In summary, the available evidence is currently insufficient to determine the role of this variant in disease. Therefore, it has been classified as a Variant of Uncertain Significance.

NM_000993.5(RPL31):c.95G>T (p.Arg32Leu)

Gene: RPL31 (ribosomal protein L31; plus strand). Cytogenetic location: 2q11.2.
Variant type: single nucleotide variant.
Coding change: c.95G>T on transcript NM_000993.5 (MANE Select); coding-DNA position 95, G replaced by T.
Protein change: p.Arg32Leu; replaces arginine 32 with leucine.
Molecular consequence: missense variant.
Genome position (GRCh38, 1-based): chr2:101,002,796, G>T. VCF-style: chr2-101002796-G-T. GRCh37 (hg19) VCF-style: chr2-101619258-G-T.
Other names: c.95G>T, p.Arg32Leu (NM_001098577.3, NM_001099693.2); short protein forms R32L.
Identifiers: ClinVar variation 3674545 (VCV003674545.2).
Genomic context (GRCh38, chr2:101,002,796, plus strand): 5'-AGGGCCGTTCTGCCATCAACGAAGTGGTAACCCGAGAATACACCATCAACATTCACAAGC[G>T]CATCCATGGAGTGTGAGTATCCCTCTAGCCGCCCTGGGTCTCGAACTCACGCGTCTGGTT-3'
Protein context (NP_000984.1, residues 22-42): TREYTINIHK[Arg32Leu]IHGVGFKKRA